The following is an entry in ClinVar:

NM_006393.3(NEBL):c.1376G>A (p.Gly459Glu)

Gene: NEBL (nebulette; minus strand). Cytogenetic location: 10p12.31.
Variant type: single nucleotide variant.
Coding change: c.1376G>A on transcript NM_006393.3 (MANE Select); coding-DNA position 1376, G replaced by A.
Protein change: p.Gly459Glu; replaces glycine 459 with glutamic acid.
Molecular consequence: missense variant. On other transcripts: intron variant (9).
Genome position (GRCh38, 1-based): chr10:20,835,586, C>T on the plus strand (G>A on the coding strand, the complement: NEBL is on the minus strand). VCF-style: chr10-20835586-C-T. GRCh37 (hg19) VCF-style: chr10-21124515-C-T.
Other names: c.250-22646G>A (NM_001377326.1, NM_001377327.1, NM_001377328.1); c.358-22646G>A (NM_213569.2, NM_001173484.2, NM_001377322.1); c.301-22646G>A (NM_001377324.1); c.292-22646G>A (NM_001377325.1); c.310-22646G>A (NM_001377323.1); short protein forms G459E.
Identifiers: ClinVar variation 3609500 (VCV003609500.2).
Genomic context (GRCh38, chr10:20,835,586, plus strand): 5'-TCTGCAGCCTTCTTGGCATGCTGCATTTCAAGGGTGTCAGTGCCAGCTTGCATTCCTTTC[C>T]CTTTAATTATTGACTCCAGGTCTTTCTTGTATTCTTTCTGCAAAAGACAACATTTTACAA-3'
Protein context (NP_006384.1, residues 449-469): YKKDLESIIK[Gly459Glu]KGMQAGTDTL

ClinVar aggregate classification (germline): Uncertain significance (1 of 4 stars; one submission).

Conditions:
Primary dilated cardiomyopathy (DCM). Also called: Dilated Cardiomyopathy. Identifiers: Orphanet 217604, MedGen C0007193, MeSH D002311, MONDO:0005021, HP:0001644. Inheritance: Various modes of inheritance.

gnomAD v4.1: 2 of 1,612,234 alleles (0.00012%); highest among the groups gnomAD compares: African/African-American, 0.0027%; no homozygotes.

Submission:

Labcorp Genetics (formerly Invitae), Labcorp
Classification: Uncertain significance for Primary dilated cardiomyopathy. Last evaluated: 2024-05-16. Review status: criteria provided, single submitter. Criteria: Invitae Variant Classification Sherloc (09022015). Collection method: clinical testing. Allele origin: germline.
Comment: This sequence change replaces glycine, which is neutral and non-polar, with glutamic acid, which is acidic and polar, at codon 459 of the NEBL protein (p.Gly459Glu). The frequency data for this variant in the population databases is considered unreliable, as metrics indicate poor data quality at this position in the gnomAD database. This variant has not been reported in the literature in individuals affected with NEBL-related conditions. An algorithm developed to predict the effect of missense changes on protein structure and function (PolyPhen-2) suggests that this variant is likely to be disruptive. In summary, the available evidence is currently insufficient to determine the role of this variant in disease. Therefore, it has been classified as a Variant of Uncertain Significance.